The following is an entry in ClinVar:

NM_004612.4(TGFBR1):c.460A>G (p.Ile154Val)

Gene: TGFBR1 (transforming growth factor beta receptor 1; plus strand). Cytogenetic location: 9q22.33.
Variant type: single nucleotide variant.
Coding change: c.460A>G on transcript NM_004612.4 (MANE Select); coding-DNA position 460, A replaced by G.
Protein change: p.Ile154Val; replaces isoleucine 154 with valine.
Molecular consequence: missense variant. On other transcripts: intron variant (1).
Genome position (GRCh38, 1-based): chr9:99,132,625, A>G. VCF-style: chr9-99132625-A-G. GRCh37 (hg19) VCF-style: chr9-101894907-A-G.
Other names: c.472A>G, p.Ile158Val (NM_001306210.2, NM_001407416.1); c.460A>G, p.Ile154Val (NM_001407417.1, NM_001407435.1); c.265A>G, p.Ile89Val (NM_001407418.1, NM_001407419.1, NM_001407420.1 and 1 more transcripts); c.253A>G, p.Ile85Val (NM_001407423.1, NM_001407424.1, NM_001407425.1 and 8 more transcripts); c.214A>G, p.Ile72Val (NM_001407436.1); c.343+3525A>G (NM_001130916.3); short protein forms I85V, I89V, I158V, I154V, I72V.
Identifiers: ClinVar variation 1741866 (VCV001741866.5), dbSNP rs2490143361, ClinGen allele CA374228115.

ClinVar aggregate classification (germline): Uncertain significance. Review status: criteria provided, multiple submitters, no conflicts (2 of 4 stars). 2 submissions from 2 submitters: Uncertain significance (2). Last evaluated 2023-11-24.

Conditions:
Familial thoracic aortic aneurysm and aortic dissection (TAAD). Also called: Thoracic aortic aneurysms and dissections. Identifiers: Orphanet 91387, MedGen C4707243, MONDO:0019625.

Submissions (2):

Labcorp Genetics (formerly Invitae), Labcorp
Classification: Uncertain significance for Familial thoracic aortic aneurysm and aortic dissection. Last evaluated: 2023-11-24. Review status: criteria provided, single submitter. Criteria: Invitae Variant Classification Sherloc (09022015). Collection method: clinical testing. Allele origin: germline.
Comment: This sequence change replaces isoleucine, which is neutral and non-polar, with valine, which is neutral and non-polar, at codon 154 of the TGFBR1 protein (p.Ile154Val). This variant is not present in population databases (gnomAD no frequency). This variant has not been reported in the literature in individuals affected with TGFBR1-related conditions. ClinVar contains an entry for this variant (Variation ID: 1741866). Advanced modeling of protein sequence and biophysical properties (such as structural, functional, and spatial information, amino acid conservation, physicochemical variation, residue mobility, and thermodynamic stability) performed at Invitae indicates that this missense variant is not expected to disrupt TGFBR1 protein function with a negative predictive value of 95%. In summary, the available evidence is currently insufficient to determine the role of this variant in disease. Therefore, it has been classified as a Variant of Uncertain Significance.

Ambry Genetics
Classification: Uncertain significance for Familial thoracic aortic aneurysm and aortic dissection. Last evaluated: 2022-03-23. Review status: criteria provided, single submitter. Criteria: Ambry Variant Classification Scheme 2023. Collection method: clinical testing. Allele origin: germline.
Comment: The p.I154V variant (also known as c.460A>G), located in coding exon 3 of the TGFBR1 gene, results from an A to G substitution at nucleotide position 460. The isoleucine at codon 154 is replaced by valine, an amino acid with highly similar properties. This amino acid position is conserved. In addition, this alteration is predicted to be tolerated by in silico analysis. Since supporting evidence is limited at this time, the clinical significance of this alteration remains unclear.